The following is an entry in ClinVar:

NM_173354.5(SIK1):c.1690C>T (p.Leu564Phe)

Gene: SIK1 (salt inducible kinase 1; minus strand). Cytogenetic location: 21q22.3.
Variant type: single nucleotide variant.
Coding change: c.1690C>T on transcript NM_173354.5 (MANE Select); coding-DNA position 1690, C replaced by T.
Protein change: p.Leu564Phe; replaces leucine 564 with phenylalanine.
Molecular consequence: missense variant.
Genome position (GRCh38, 1-based): chr21:43,418,314, G>A on the plus strand (C>T on the coding strand, the complement: SIK1 is on the minus strand). VCF-style: chr21-43418314-G-A. GRCh37 (hg19) VCF-style: chr21-44838194-G-A.
Other names: short protein forms L564F.
Identifiers: ClinVar variation 1412710 (VCV001412710.8), dbSNP rs770574136, ClinGen allele CA321325332.

ClinVar aggregate classification (germline): Uncertain significance (1 of 4 stars; one submission).

Conditions:
Developmental and epileptic encephalopathy, 30 (DEE30). Also called: Epileptic encephalopathy, early infantile, 30. Identifiers: MedGen C4225360, MONDO:0014595, OMIM 616341.

Allele frequency attached by ClinVar (database versions not stated): gnomAD exomes 0.00001; ExAC 0.00002.

Submission:

Labcorp Genetics (formerly Invitae), Labcorp
Classification: Uncertain significance for Developmental and epileptic encephalopathy, 30. Last evaluated: 2025-09-17. Review status: criteria provided, single submitter. Criteria: Invitae Variant Classification Sherloc (09022015). Collection method: clinical testing. Allele origin: germline.
Comment: This sequence change replaces leucine, which is neutral and non-polar, with phenylalanine, which is neutral and non-polar, at codon 564 of the SIK1 protein (p.Leu564Phe). This variant is present in population databases (rs770574136, gnomAD 0.01%). This variant has not been reported in the literature in individuals affected with SIK1-related conditions. ClinVar contains an entry for this variant (Variation ID: 1412710). Invitae Evidence Modeling of protein sequence and biophysical properties (such as structural, functional, and spatial information, amino acid conservation, physicochemical variation, residue mobility, and thermodynamic stability) indicates that this missense variant is not expected to disrupt SIK1 protein function with a negative predictive value of 95%. In summary, the available evidence is currently insufficient to determine the role of this variant in disease. Therefore, it has been classified as a Variant of Uncertain Significance.